The following is an entry in ClinVar:

NM_000288.4(PEX7):c.737G>A (p.Arg246Lys)

Gene: PEX7 (peroxisomal biogenesis factor 7; plus strand). Cytogenetic location: 6q23.3.
Variant type: single nucleotide variant.
Coding change: c.737G>A on transcript NM_000288.4 (MANE Select); coding-DNA position 737, G replaced by A.
Protein change: p.Arg246Lys; replaces arginine 246 with lysine.
Molecular consequence: missense variant.
Genome position (GRCh38, 1-based): chr6:136,869,993, G>A. VCF-style: chr6-136869993-G-A. GRCh37 (hg19) VCF-style: chr6-137191131-G-A.
Other names: p.Arg246Lys; short protein forms R246K.
Identifiers: ClinVar variation 355533 (VCV000355533.6), dbSNP rs780186421, ClinGen allele CA4017705.

ClinVar aggregate classification (germline): Uncertain significance. Review status: criteria provided, multiple submitters, no conflicts (2 of 4 stars). 3 submissions from 2 submitters: Uncertain significance (3). Last evaluated 2023-01-09.

Conditions:
Rhizomelic chondrodysplasia punctata type 1 (RCDP1). Also called: CHONDRODYSTROPHIA CALCIFICANS PUNCTATA; PEX7-Related Rhizomelic Chondrodysplasia Punctata; PEROXISOME BIOGENESIS DISORDER 9. Identifiers: Orphanet 177, Orphanet 309789, MedGen C1859133, MONDO:0008972, OMIM 215100. Disease mechanism: loss of function.
Peroxisome biogenesis disorder 9B. Also called: Refsum disease, adult, 2; PEX7-Related Refsum Disease; PEROXISOME BIOGENESIS DISORDER, PEX7-RELATED, ATYPICAL. Identifiers: Orphanet 773, MedGen C2749346, MONDO:0013945, OMIM 614879.

Allele frequency attached by ClinVar (database versions not stated): gnomAD exomes below 0.00001; TOPMed below 0.00001; ExAC 0.00001; gnomAD 0.00001.

Submissions (3):

Mayo Clinic Laboratories, Mayo Clinic
Classification: Uncertain significance. Last evaluated: 2023-01-09. Review status: criteria provided, single submitter. Criteria: ACMG Guidelines, 2015. Collection method: clinical testing. Allele origin: germline. Observed: 1 variant allele.
Comment: BP4, PM2

Illumina Laboratory Services, Illumina
Classification: Uncertain significance for Rhizomelic chondrodysplasia punctata type 1. Last evaluated: 2018-01-13. Review status: criteria provided, single submitter. Criteria: ICSL Variant Classification Criteria 13 December 2019. Collection method: clinical testing. Allele origin: germline.

Illumina Laboratory Services, Illumina
Classification: Uncertain significance for Peroxisome biogenesis disorder 9B. Last evaluated: 2018-01-13. Review status: criteria provided, single submitter. Criteria: ICSL Variant Classification Criteria 13 December 2019. Collection method: clinical testing. Allele origin: germline.